The following is an entry in ClinVar:

NM_001184880.2(PCDH19):c.3212T>C (p.Leu1071Pro)

Gene: PCDH19 (protocadherin 19; minus strand). Cytogenetic location: Xq22.1.
Variant type: single nucleotide variant.
Coding change: c.3212T>C on transcript NM_001184880.2 (MANE Select); coding-DNA position 3212, T replaced by C.
Protein change: p.Leu1071Pro; replaces leucine 1071 with proline.
Molecular consequence: missense variant.
Genome position (GRCh38, 1-based): chrX:100,296,512, A>G on the plus strand (T>C on the coding strand, the complement: PCDH19 is on the minus strand). VCF-style: chrX-100296512-A-G. GRCh37 (hg19) VCF-style: chrX-99551510-A-G.
Other names: c.3071T>C, p.Leu1024Pro (NM_001105243.2); c.3068T>C, p.Leu1023Pro (NM_020766.3); short protein forms L1023P, L1024P, L1071P.
Identifiers: ClinVar variation 4976432 (VCV004976432.1).

ClinVar aggregate classification (germline): Uncertain significance (1 of 4 stars; one submission).

gnomAD v4.1: 1 of 1,210,872 alleles (0.000083%); highest among the groups gnomAD compares: Non-Finnish European, 0.00011%; no homozygotes.

Submission:

GeneDx
Classification: Uncertain significance. Last evaluated: 2026-02-10. Review status: criteria provided, single submitter. Criteria: GeneDx Variant Classification Process June 2021. Collection method: clinical testing. Allele origin: germline.
Comment: Not observed at significant frequency in large population cohorts (gnomAD); In silico analysis suggests that this missense variant does not alter protein structure/function; Has not been previously published as pathogenic or benign to our knowledge